The following is an entry in ClinVar:

NM_024649.5(BBS1):c.316C>T (p.Leu106Phe)

Gene: BBS1 (Bardet-Biedl syndrome 1; plus strand). Cytogenetic location: 11q13.2.
Variant type: single nucleotide variant.
Coding change: c.316C>T on transcript NM_024649.5 (MANE Select); coding-DNA position 316, C replaced by T.
Protein change: p.Leu106Phe; replaces leucine 106 with phenylalanine.
Molecular consequence: missense variant.
Genome position (GRCh38, 1-based): chr11:66,514,562, C>T. VCF-style: chr11-66514562-C-T. GRCh37 (hg19) VCF-style: chr11-66282033-C-T.
Other names: short protein forms L106F.
Identifiers: ClinVar variation 1382284 (VCV001382284.7), dbSNP rs137853913, ClinGen allele CA6123304.

ClinVar aggregate classification (germline): Uncertain significance. Review status: criteria provided, multiple submitters, no conflicts (2 of 4 stars). 3 submissions from 3 submitters: Uncertain significance (3). Last evaluated 2022-05-23.

Conditions:
Bardet-Biedl syndrome (BBS). Identifiers: Orphanet 110, MedGen C0752166, MONDO:0015229.
Bardet-Biedl syndrome 1 (BBS1). Identifiers: MedGen C2936862, MONDO:0008854, OMIM 209900. Disease mechanism: loss of function.

Submissions (3):

Fulgent Genetics
Classification: Uncertain significance for Bardet-Biedl syndrome 1. Last evaluated: 2022-05-23. Review status: criteria provided, single submitter. Criteria: ACMG Guidelines, 2015. Collection method: clinical testing. Allele origin: unknown.

Labcorp Genetics (formerly Invitae), Labcorp
Classification: Uncertain significance for Bardet-Biedl syndrome. Last evaluated: 2022-01-03. Review status: criteria provided, single submitter. Criteria: Invitae Variant Classification Sherloc (09022015). Collection method: clinical testing. Allele origin: germline.
Comment: This sequence change replaces leucine, which is neutral and non-polar, with phenylalanine, which is neutral and non-polar, at codon 106 of the BBS1 protein (p.Leu106Phe). The frequency data for this variant in the population databases is considered unreliable, as metrics indicate poor data quality at this position in the gnomAD database. This variant has not been reported in the literature in individuals affected with BBS1-related conditions. Algorithms developed to predict the effect of missense changes on protein structure and function are either unavailable or do not agree on the potential impact of this missense change (SIFT: "Deleterious"; PolyPhen-2: "Possibly Damaging"; Align-GVGD: "Class C0"). In summary, the available evidence is currently insufficient to determine the role of this variant in disease. Therefore, it has been classified as a Variant of Uncertain Significance.

Blueprint Genetics
Classification: Uncertain significance. Last evaluated: 2019-06-28. Review status: criteria provided, single submitter. Criteria: ACMG Guidelines, 2015. Collection method: clinical testing. Allele origin: germline.